The following is an entry in ClinVar:

ClinVar aggregate classification (germline): Uncertain significance (1 of 4 stars; one submission).

Conditions:
SHORT syndrome. Also called: LIPODYSTROPHY, PARTIAL, WITH RIEGER ANOMALY AND SHORT STATURE; PIK3R1-Related SHORT Syndrome; SHORT STATURE, HYPEREXTENSIBILITY, HERNIA, OCULAR DEPRESSION, RIEGER ANOMALY, AND TEETHING DELAY. Identifiers: Orphanet 3163, MedGen C0878684, MONDO:0010026, OMIM 269880.
Agammaglobulinemia 7, autosomal recessive (AGM7). Also called: AGAMMAGLOBULINEMIA, AUTOSOMAL RECESSIVE, DUE TO PIK3R1 DEFECT. Identifiers: MedGen C3554689, MONDO:0014083, OMIM 615214.
Immunodeficiency 36 with lymphoproliferation. Also called: Immunodeficiency 36; ACTIVATED PI3K-DELTA SYNDROME 2; Activated PI3K Delta Syndrome Type 2 (APDS2). Identifiers: Orphanet 397596, Orphanet 693681, MedGen C4014934, MONDO:0014453, OMIM 616005.

Submission:

Labcorp Genetics (formerly Invitae), Labcorp
Classification: Uncertain significance for SHORT syndrome; Immunodeficiency 36 with lymphoproliferation; Agammaglobulinemia 7, autosomal recessive. Last evaluated: 2023-09-09. Review status: criteria provided, single submitter. Criteria: Invitae Variant Classification Sherloc (09022015). Collection method: clinical testing. Allele origin: germline.
Comment: In summary, the available evidence is currently insufficient to determine the role of this variant in disease. Therefore, it has been classified as a Variant of Uncertain Significance. This sequence change falls in intron 15 of the PIK3R1 gene. It does not directly change the encoded amino acid sequence of the PIK3R1 protein. It affects a nucleotide within the consensus splice site. This variant is not present in population databases (gnomAD no frequency). This variant has not been reported in the literature in individuals affected with PIK3R1-related conditions. Variants that disrupt the consensus splice site are a relatively common cause of aberrant splicing (PMID: 17576681, 9536098). Algorithms developed to predict the effect of sequence changes on RNA splicing suggest that this variant may create or strengthen a splice site.

Literature cited by the submitters: PubMed 17576681; PubMed 9536098.

NM_181523.3(PIK3R1):c.1985+4T>G

Gene: PIK3R1 (phosphoinositide-3-kinase regulatory subunit 1; plus strand). Cytogenetic location: 5q13.1.
Variant type: single nucleotide variant.
Coding change: c.1985+4T>G on transcript NM_181523.3 (MANE Select); 4 bases into the intron after coding-DNA position 1985, T replaced by G.
Molecular consequence: intron variant.
Genome position (GRCh38, 1-based): chr5:68,296,345, T>G. VCF-style: chr5-68296345-T-G. GRCh37 (hg19) VCF-style: chr5-67592173-T-G.
Other names: c.1085+4T>G (NM_181524.2); c.1175+4T>G (NM_181504.4); c.896+4T>G (NM_001242466.2).
Identifiers: ClinVar variation 2951762 (VCV002951762.3), dbSNP rs2531019121, ClinGen allele CA2740091744.